The following is an entry in ClinVar:

NM_001042492.3(NF1):c.710_711del (p.Ile237fs)

Gene: NF1 (neurofibromin 1; plus strand). Cytogenetic location: 17q11.2.
Variant type: Deletion.
Coding change: c.710_711del on transcript NM_001042492.3 (MANE Select); coding-DNA positions 710 to 711, 2 bases deleted (TC; older notation c.710_711delTC).
Protein change: p.Ile237fs; shifts the reading frame from isoleucine 237.
Molecular consequence: frameshift variant.
Genome position (GRCh38, 1-based): chr17:31,181,765-31,181,766, TC deleted. VCF-style (leftmost placement, unchanged base first): chr17-31181764-ATC-A. GRCh37 (hg19) VCF-style: chr17-29508782-ATC-A.
Other names: c.710_711delTC, p.Ile237Thrfs (NM_000267.4); c.710_711del, p.Ile237fs (NM_001128147.3); short protein forms I237fs.
Identifiers: ClinVar variation 2744362 (VCV002744362.3), dbSNP rs2544750037, ClinGen allele CA2697559671.

ClinVar aggregate classification (germline): Pathogenic (1 of 4 stars; one submission).

Conditions:
Neurofibromatosis, type 1 (NF1). Also called: Peripheral type neurofibromatosis; NEUROFIBROMATOSIS, TYPE I, SOMATIC; VON RECKLINGHAUSEN DISEASE; Neurofibromatosis, type I. Identifiers: Orphanet 636, MedGen C0027831, MONDO:0018975, OMIM 162200. Disease mechanism: loss of function.

Submission:

Labcorp Genetics (formerly Invitae), Labcorp
Classification: Pathogenic for Neurofibromatosis, type 1. Last evaluated: 2023-07-17. Review status: criteria provided, single submitter. Criteria: Invitae Variant Classification Sherloc (09022015). Collection method: clinical testing. Allele origin: germline.
Comment: This sequence change creates a premature translational stop signal (p.Ile237Thrfs*4) in the NF1 gene. It is expected to result in an absent or disrupted protein product. Loss-of-function variants in NF1 are known to be pathogenic (PMID: 10712197, 23913538). This variant is not present in population databases (gnomAD no frequency). This variant has not been reported in the literature in individuals affected with NF1-related conditions. For these reasons, this variant has been classified as Pathogenic.

Literature cited by the submitters: PubMed 10712197; PubMed 23913538.